The following is an entry in ClinVar:

ClinVar aggregate classification (germline): Uncertain significance (1 of 4 stars; one submission).

Conditions:
Hereditary spastic paraplegia 30. Identifiers: Orphanet 101010, MedGen C5235139, MONDO:0012476.
Neuropathy, hereditary sensory, type 2C. Also called: Hereditary sensory and autonomic neuropathy type IIC; KIF1A-Related HSAN2 (HSAN2C). Identifiers: Orphanet 970, MedGen C3280168, MONDO:0013634, OMIM 614213.
Intellectual disability, autosomal dominant 9 (NESCAVS). Also called: NESCAV SYNDROME; KIF1A-Related Neurodevelopmental Disorder. Identifiers: Orphanet 662367, MedGen C5393830, MONDO:0013656, OMIM 614255.

Submission:

Labcorp Genetics (formerly Invitae), Labcorp
Classification: Uncertain significance for Hereditary spastic paraplegia 30; Neuropathy, hereditary sensory, type 2C; Intellectual disability, autosomal dominant 9. Last evaluated: 2021-07-04. Review status: criteria provided, single submitter. Criteria: Invitae Variant Classification Sherloc (09022015). Collection method: clinical testing. Allele origin: germline.
Comment: This variant is not present in population databases (ExAC no frequency). This sequence change replaces threonine with asparagine at codon 556 of the KIF1A protein (p.Thr556Asn). The threonine residue is highly conserved and there is a small physicochemical difference between threonine and asparagine. In summary, the available evidence is currently insufficient to determine the role of this variant in disease. Therefore, it has been classified as a Variant of Uncertain Significance. Advanced modeling of protein sequence and biophysical properties (such as structural, functional, and spatial information, amino acid conservation, physicochemical variation, residue mobility, and thermodynamic stability) performed at Invitae indicates that this missense variant is expected to disrupt KIF1A protein function. This variant has not been reported in the literature in individuals affected with KIF1A-related conditions.

NM_001244008.2(KIF1A):c.1694C>A (p.Thr565Asn)

Gene: KIF1A (kinesin family member 1A; minus strand). Cytogenetic location: 2q37.3.
Variant type: single nucleotide variant.
Coding change: c.1694C>A on transcript NM_001244008.2 (MANE Select); coding-DNA position 1694, C replaced by A.
Protein change: p.Thr565Asn; replaces threonine 565 with asparagine.
Molecular consequence: missense variant.
Genome position (GRCh38, 1-based): chr2:240,765,784, G>T on the plus strand (C>A on the coding strand, the complement: KIF1A is on the minus strand). VCF-style: chr2-240765784-G-T. GRCh37 (hg19) VCF-style: chr2-241705201-G-T.
Other names: c.1694C>A, p.Thr565Asn (NM_001320705.2, NM_001330289.2, NM_001379638.1); c.1769C>A, p.Thr590Asn (NM_001330290.2, NM_001379631.1, NM_001379634.1 and 2 more transcripts); c.1667C>A, p.Thr556Asn (NM_001379632.1, NM_001379633.1, NM_001379636.1 and 10 more transcripts); c.1742C>A, p.Thr581Asn (NM_001379637.1, NM_001379648.1); short protein forms T581N, T556N, T565N, T590N.
Identifiers: ClinVar variation 1404340 (VCV001404340.8), dbSNP rs2125918613, ClinGen allele CA351327828.